The following is an entry in ClinVar:

ClinVar aggregate classification (germline): Uncertain significance (1 of 4 stars; one submission).

Allele frequency attached by ClinVar (database versions not stated): ExAC 0.00001; gnomAD exomes 0.00001.
gnomAD v4.1: 7 of 1,608,430 alleles (0.00044%); highest among the groups gnomAD compares: South Asian, 0.0055%; 1 homozygote.

Submission:

Labcorp Genetics (formerly Invitae), Labcorp
Classification: Uncertain significance. Last evaluated: 2023-10-24. Review status: criteria provided, single submitter. Criteria: Invitae Variant Classification Sherloc (09022015). Collection method: clinical testing. Allele origin: germline.
Comment: This sequence change replaces proline, which is neutral and non-polar, with leucine, which is neutral and non-polar, at codon 27 of the ANLN protein (p.Pro27Leu). This variant is present in population databases (rs765537134, gnomAD 0.0009%). This variant has not been reported in the literature in individuals affected with ANLN-related conditions. An algorithm developed to predict the effect of missense changes on protein structure and function (PolyPhen-2) suggests that this variant is likely to be disruptive. In summary, the available evidence is currently insufficient to determine the role of this variant in disease. Therefore, it has been classified as a Variant of Uncertain Significance.

NM_018685.5(ANLN):c.80C>T (p.Pro27Leu)

Gene: ANLN (anillin, actin binding protein; plus strand). Cytogenetic location: 7p14.2.
Variant type: single nucleotide variant.
Coding change: c.80C>T on transcript NM_018685.5 (MANE Select); coding-DNA position 80, C replaced by T.
Protein change: p.Pro27Leu; replaces proline 27 with leucine.
Molecular consequence: missense variant.
Genome position (GRCh38, 1-based): chr7:36,396,327, C>T. VCF-style: chr7-36396327-C-T. GRCh37 (hg19) VCF-style: chr7-36435936-C-T.
Other names: c.80C>T, p.Pro27Leu (NM_001284301.3, NM_001284302.3); short protein forms P27L.
Identifiers: ClinVar variation 3007420 (VCV003007420.3), dbSNP rs765537134, ClinGen allele CA4219257.
Genomic context (GRCh38, chr7:36,396,327, plus strand): 5'-AACTGCTGGAGCGAACCCGTGCCAGGCGAGAGAATCTTCAGAGAAAAATGGCTGAGAGGC[C>T]CACAGCAGCTCCAAGGTCTATGACTCATGCTAAGCGAGCTAGACAGCCACTTTCAGAAGC-3'
Protein context (NP_061155.2, residues 17-37): ENLQRKMAER[Pro27Leu]TAAPRSMTHA